The following is an entry in ClinVar:

NM_004946.3(DOCK2):c.1756T>C (p.Ser586Pro)

Gene: DOCK2 (dedicator of cytokinesis 2; plus strand). Cytogenetic location: 5q35.1.
Variant type: single nucleotide variant.
Coding change: c.1756T>C on transcript NM_004946.3 (MANE Select); coding-DNA position 1756, T replaced by C.
Protein change: p.Ser586Pro; replaces serine 586 with proline.
Molecular consequence: missense variant. On other transcripts: non-coding transcript variant (1).
Genome position (GRCh38, 1-based): chr5:169,714,124, T>C. VCF-style: chr5-169714124-T-C. GRCh37 (hg19) VCF-style: chr5-169141128-T-C.
Other names: c.1756T>C, p.Ser586Pro (LRG_1227t1); short protein forms S586P.
Identifiers: ClinVar variation 650993 (VCV000650993.6), dbSNP rs1265967996, ClinGen allele CA362107863.

ClinVar aggregate classification (germline): Uncertain significance (1 of 4 stars; one submission).

Conditions:
DOCK2 deficiency. Also called: Immunodeficiency 40. Identifiers: Orphanet 447737, MedGen C4225328, MONDO:0014637, OMIM 616433.

Allele frequency attached by ClinVar (database versions not stated): gnomAD 0.00001; TOPMed 0.00001; gnomAD exomes 0.00002.
gnomAD v4.1: 32 of 1,613,770 alleles (0.002%); highest among the groups gnomAD compares: Non-Finnish European, 0.0025%; no homozygotes.

Submission:

Labcorp Genetics (formerly Invitae), Labcorp
Classification: Uncertain significance for DOCK2 deficiency. Last evaluated: 2018-10-16. Review status: criteria provided, single submitter. Criteria: Invitae Variant Classification Sherloc (09022015). Collection method: clinical testing. Allele origin: germline.
Comment: In summary, the available evidence is currently insufficient to determine the role of this variant in disease. Therefore, it has been classified as a Variant of Uncertain Significance. Algorithms developed to predict the effect of missense changes on protein structure and function (SIFT, PolyPhen-2, Align-GVGD) all suggest that this variant is likely to be tolerated, but these predictions have not been confirmed by published functional studies and their clinical significance is uncertain. This variant has not been reported in the literature in individuals with DOCK2-related disease. This variant is not present in population databases (ExAC no frequency). This sequence change replaces serine with proline at codon 586 of the DOCK2 protein (p.Ser586Pro). The serine residue is moderately conserved and there is a moderate physicochemical difference between serine and proline.